The following is an entry in ClinVar:

NM_007255.3(B4GALT7):c.302T>C (p.Phe101Ser)

Gene: B4GALT7 (beta-1,4-galactosyltransferase 7; plus strand). Cytogenetic location: 5q35.3.
Variant type: single nucleotide variant.
Coding change: c.302T>C on transcript NM_007255.3 (MANE Select); coding-DNA position 302, T replaced by C.
Protein change: p.Phe101Ser; replaces phenylalanine 101 with serine.
Molecular consequence: missense variant.
Genome position (GRCh38, 1-based): chr5:177,604,430, T>C. VCF-style: chr5-177604430-T-C. GRCh37 (hg19) VCF-style: chr5-177031431-T-C.
Other names: p.Phe101Ser; short protein forms F101S.
Identifiers: ClinVar variation 450672 (VCV000450672.51), dbSNP rs771088509, ClinGen allele CA3586439.

ClinVar aggregate classification (germline): Uncertain significance. Review status: criteria provided, multiple submitters, no conflicts (2 of 4 stars). 6 submissions from 6 submitters: Uncertain significance (6). Last evaluated 2025-11-26.

Conditions:
Inborn genetic diseases. Identifiers: MedGen C0950123, MeSH D030342.
Spondylodysplastic Ehlers-Danlos syndrome. Identifiers: Orphanet 536471, Orphanet 75496, MedGen C5680154, MONDO:0007526.

Allele frequency attached by ClinVar (database versions not stated): gnomAD exomes 0.00002 and 0.00004; ExAC 0.00003; gnomAD 0.00004 and 0.00005; TOPMed 0.00005.
gnomAD v4.1: 41 of 1,613,788 alleles (0.0025%); highest among the groups gnomAD compares: Non-Finnish European, 0.0034%; no homozygotes.

Submissions (6):

Women's Health and Genetics/Laboratory Corporation of America, LabCorp
Classification: Uncertain significance. Last evaluated: 2025-11-26. Review status: criteria provided, single submitter. Criteria: LabCorp Variant Classification Summary - May 2015. Collection method: clinical testing. Allele origin: germline.
Comment: Variant summary: B4GALT7 c.302T>C (p.Phe101Ser) results in a non-conservative amino acid change in the encoded protein sequence. Algorithms developed to predict the effect of missense changes on protein structure and function are either unavailable or do not agree on the potential impact of this missense change. The variant allele was found at a frequency of 4e-05 in 247496 control chromosomes, predominantly at a frequency of 9.1e-05 within the Non-Finnish European subpopulation in the gnomAD database. This frequency is not significantly higher than estimated for disease-causing variants in B4GALT7, allowing no conclusion about variant significance. To our knowledge, no occurrence of c.302T>C in individuals affected with B4GALT7-related conditions and no experimental evidence demonstrating its impact on protein function have been reported. ClinVar contains an entry for this variant (Variation ID: 450672). Based on the evidence outlined above, the variant was classified as uncertain significance.

Ambry Genetics
Classification: Uncertain significance for Inborn genetic diseases. Last evaluated: 2025-08-02. Review status: criteria provided, single submitter. Criteria: Ambry Variant Classification Scheme 2023. Collection method: clinical testing. Allele origin: germline.

GeneDx
Classification: Uncertain significance. Last evaluated: 2024-02-28. Review status: criteria provided, single submitter. Criteria: GeneDx Variant Classification Process June 2021. Collection method: clinical testing. Allele origin: germline. Affected: yes.
Comment: Not observed at significant frequency in large population cohorts (gnomAD); In silico analysis supports that this missense variant has a deleterious effect on protein structure/function; Has not been previously published as pathogenic or benign to our knowledge

Mayo Clinic Laboratories, Mayo Clinic
Classification: Uncertain significance. Last evaluated: 2023-11-24. Review status: criteria provided, single submitter. Criteria: ACMG Guidelines, 2015. Collection method: clinical testing. Allele origin: germline. Observed: 1 variant allele.

Labcorp Genetics (formerly Invitae), Labcorp
Classification: Uncertain significance for Spondylodysplastic Ehlers-Danlos syndrome. Last evaluated: 2023-07-17. Review status: criteria provided, single submitter. Criteria: Invitae Variant Classification Sherloc (09022015). Collection method: clinical testing. Allele origin: germline.
Comment: This sequence change replaces phenylalanine, which is neutral and non-polar, with serine, which is neutral and polar, at codon 101 of the B4GALT7 protein (p.Phe101Ser). This variant is present in population databases (rs771088509, gnomAD 0.009%). This variant has not been reported in the literature in individuals affected with B4GALT7-related conditions. ClinVar contains an entry for this variant (Variation ID: 450672). Advanced modeling of protein sequence and biophysical properties (such as structural, functional, and spatial information, amino acid conservation, physicochemical variation, residue mobility, and thermodynamic stability) performed at Invitae indicates that this missense variant is expected to disrupt B4GALT7 protein function. In summary, the available evidence is currently insufficient to determine the role of this variant in disease. Therefore, it has been classified as a Variant of Uncertain Significance.

CeGaT Center for Human Genetics Tuebingen
Classification: Uncertain significance. Last evaluated: 2016-11-01. Review status: criteria provided, single submitter. Criteria: CeGaT Center For Human Genetics Tuebingen Variant Classification Criteria Version 2. Collection method: clinical testing. Allele origin: germline. Affected: yes. Observed: 1 variant allele.